The following is an entry in ClinVar:

ClinVar aggregate classification (germline): Pathogenic/Likely pathogenic. Review status: criteria provided, multiple submitters, no conflicts (2 of 4 stars). 3 submissions from 3 submitters: Pathogenic (2); Likely pathogenic (1). Last evaluated 2023-05-09.

Conditions:
Familial multiple polyposis syndrome (FAP). Also called: Classic familial adenomatous polyposis; Familial polyposis; Familial Adenomatous Polyposis (FAP); Familial adenomatous polyposis; Familial intestinal polyposis. Identifiers: Orphanet 733, MedGen C0032580, MONDO:0021055. Disease mechanism: loss of function.
Familial adenomatous polyposis 1 (FAP1). Also called: POLYPOSIS, ADENOMATOUS INTESTINAL; FAMILIAL ADENOMATOUS POLYPOSIS 1, ATTENUATED. Identifiers: MedGen C2713442, MONDO:0021056, OMIM 175100. Disease mechanism: loss of function.

Submissions (3):

Myriad Genetics, Inc.
Classification: Pathogenic for Familial adenomatous polyposis 1. Last evaluated: 2023-05-09. Review status: criteria provided, single submitter. Criteria: Myriad Autosomal Dominant, Autosomal Recessive and X-Linked Classification Criteria (2023). Collection method: clinical testing. Allele origin: unknown.
Comment: This variant is considered pathogenic. This variant creates a frameshift predicted to result in premature protein truncation.

Labcorp Genetics (formerly Invitae), Labcorp
Classification: Pathogenic for Familial adenomatous polyposis 1. Last evaluated: 2022-08-19. Review status: criteria provided, single submitter. Criteria: Invitae Variant Classification Sherloc (09022015). Collection method: clinical testing. Allele origin: germline.
Comment: This sequence change creates a premature translational stop signal (p.Thr1292Lysfs*4) in the APC gene. While this is not anticipated to result in nonsense mediated decay, it is expected to disrupt the last 1552 amino acid(s) of the APC protein. This variant is not present in population databases (gnomAD no frequency). This variant has not been reported in the literature in individuals affected with APC-related conditions. ClinVar contains an entry for this variant (Variation ID: 996264). This variant is expected to disrupt the EB1 and HDLG binding sites, which mediate interactions with the cytoskeleton (PMID: 15311282, 17293347). While functional studies have not been performed to directly test the effect on APC protein function, this suggests that disruption of the C-terminal portion of the protein is functionally important. This variant disrupts a region of the APC protein in which other variant(s) (p.Tyr2645Lysfs*14) have been determined to be pathogenic (PMID: 1316610, 8381579, 9824584, 22135120, 27081525; Invitae). This suggests that this is a clinically significant region of the protein, and that variants that disrupt it are likely to be disease-causing. For these reasons, this variant has been classified as Pathogenic.

Women's Health and Genetics/Laboratory Corporation of America, LabCorp
Classification: Likely pathogenic for Familial multiple polyposis syndrome. Last evaluated: 2021-01-12. Review status: criteria provided, single submitter. Criteria: LabCorp Variant Classification Summary - May 2015. Collection method: clinical testing. Allele origin: germline.
Comment: Variant summary: APC c.3875_3882delins21 (p.Thr1292LysfsX4) results in a premature termination codon, predicted to cause a truncation of the encoded protein or absence of the protein due to nonsense mediated decay, which are commonly known mechanisms for disease. Truncations downstream of this position have been classified as pathogenic by our laboratory. The variant was absent in 282216 control chromosomes. To our knowledge, no occurrence of c.3875_3882delins21 in individuals affected with Familial Adenomatous Polyposis and no experimental evidence demonstrating its impact on protein function have been reported. No clinical diagnostic laboratories have submitted clinical-significance assessments for this variant to ClinVar after 2014. Based on the evidence outlined above, the variant was classified as likely pathogenic.

Literature cited by the submitters: PubMed 15311282 (cited by Labcorp Genetics (formerly Invitae), Labcorp); PubMed 17293347 (cited by Labcorp Genetics (formerly Invitae), Labcorp); PubMed 1316610 (cited by Labcorp Genetics (formerly Invitae), Labcorp); PubMed 8381579 (cited by Labcorp Genetics (formerly Invitae), Labcorp); PubMed 9824584 (cited by Labcorp Genetics (formerly Invitae), Labcorp); PubMed 22135120 (cited by Labcorp Genetics (formerly Invitae), Labcorp); PubMed 27081525 (cited by Labcorp Genetics (formerly Invitae), Labcorp).

NM_000038.6(APC):c.3875_3882delinsAGATGAAATAGGATGTAAGCA (p.Thr1292_Gln1294delinsLysMetLysTer)

Gene: APC (APC regulator of Wnt signaling pathway; plus strand). Cytogenetic location: 5q22.2.
Variant type: Indel.
Coding change: c.3875_3882delinsAGATGAAATAGGATGTAAGCA on transcript NM_000038.6 (MANE Select); coding-DNA positions 3875 to 3882, CGACACAG replaced by AGATGAAATAGGATGTAAGCA.
Protein change: p.Thr1292_Gln1294delinsLysMetLysTer.
Molecular consequence: nonsense.
Genome position (GRCh38, 1-based): chr5:112,839,469-112,839,476, CGACACAG replaced by AGATGAAATAGGATGTAAGCA. VCF-style: chr5-112839469-CGACACAG-AGATGAAATAGGATGTAAGCA. GRCh37 (hg19) VCF-style: chr5-112175166-CGACACAG-AGATGAAATAGGATGTAAGCA.
Other names: c.3875_3882delinsAGATGAAATAGGATGTAAGCA, p.Thr1292_Gln1294delinsLysMetLysTer (NM_001127510.3, NM_001354895.2); c.3821_3828delinsAGATGAAATAGGATGTAAGCA, p.Thr1274_Gln1276delinsLysMetLysTer (NM_001127511.3); c.3929_3936delinsAGATGAAATAGGATGTAAGCA, p.Thr1310_Gln1312delinsLysMetLysTer (NM_001354896.2); c.3905_3912delinsAGATGAAATAGGATGTAAGCA, p.Thr1302_Gln1304delinsLysMetLysTer (NM_001354897.2); c.3800_3807delinsAGATGAAATAGGATGTAAGCA, p.Thr1267_Gln1269delinsLysMetLysTer (NM_001354898.2); c.3791_3798delinsAGATGAAATAGGATGTAAGCA, p.Thr1264_Gln1266delinsLysMetLysTer (NM_001354899.2); c.3752_3759delinsAGATGAAATAGGATGTAAGCA, p.Thr1251_Gln1253delinsLysMetLysTer (NM_001354900.2); c.3698_3705delinsAGATGAAATAGGATGTAAGCA, p.Thr1233_Gln1235delinsLysMetLysTer (NM_001354901.2); and 5 more.
Identifiers: ClinVar variation 996264 (VCV000996264.7), dbSNP rs1765543308, ClinGen allele CA1573490959.